The following continues an entry in ClinVar:

NM_058216.3(RAD51C):c.571+5G>A

Gene: RAD51C. ClinVar aggregate classification (germline): Conflicting classifications of pathogenicity. Pathogenic (3); Likely pathogenic (6); Uncertain significance (4).

Submissions 9 to 13 of 13:

Color Diagnostics, LLC DBA Color Health
Classification: Likely pathogenic for Hereditary cancer-predisposing syndrome. Last evaluated: 2024-02-20. Review status: criteria provided, single submitter. Criteria: ACMG Guidelines, 2015. Collection method: clinical testing. Allele origin: germline.
Comment: This variant causes a G>A nucleotide substitution at the +5 position of intron 3 of the RAD51C gene. Splice site prediction tools predict that this variant may have a significant impact on RNA splicing. A mini-gene splice assay has shown that this variant results in out-of-frame skipping of exon 3 in over 90% of the transcripts (PMID: 33333735). This variant is expected to result in an absent or non-functional protein product. This variant has been observed in an individual affected with ovarian cancer (PMID: 30093976), in two individuals affected with breast cancer (PMID: 21597919; Lertwilaiwittaya et al., 2020, DOI: DOI 10.21203/rs.3.rs-122156/v1), and in an individual having clinical features of Fanconi anemia (PMID: 29278735, 36909564). All of these affected individuals were of East Asian ethnicity. This variant has been identified in 7/282860 chromosomes (7/19250 East Asian chromosomes) in the general population by the Genome Aggregation Database (gnomAD). Loss of RAD51C function is a known mechanism of disease. Based on the available evidence, this variant is classified as Likely Pathogenic.

Genetic Services Laboratory, University of Chicago
Classification: Likely pathogenic. Last evaluated: 2023-09-12. Review status: criteria provided, single submitter. Criteria: ACMG Guidelines, 2015. Collection method: clinical testing. Allele origin: germline. Affected: yes.
Comment: DNA sequence analysis of the RAD51C gene demonstrated a sequence change located near the canonical splice donor site in intron 3, c.571+5G>A. This sequence change has been previously described in the germline in individuals with RAD51C-related breast and ovarian cancer [PMID: 21597919, 30093976] and in an individual with neonatal-onset RAD51-related Fanconi anemia in the compound heterozygous state with a second RAD51 variant [PMID: 29278735]. This sequence change has been described in the gnomAD database with a frequency of 0.035% in the East Asian subpopulation (dbSNP rs145779113). Minigene RNA splicing studies of this sequence change demonstrate loss of exon 3 and significant loss of the full-length RAD51C transcript [PMID: 33333735]. These collective evidences indicate that this sequence change is likely pathogenic however additional functional studies have not been performed to prove this conclusively.

Department of Pathology and Laboratory Medicine, Sinai Health System
Classification: Uncertain significance for Breast-ovarian cancer, familial, susceptibility to, 3. Last evaluated: 2023-07-05. Review status: criteria provided, single submitter. Criteria: ACMG Guidelines, 2015. Collection method: clinical testing. Allele origin: germline. Affected: yes.

Baylor Genetics
Classification: Uncertain significance for Fanconi anemia complementation group O. Review status: criteria provided, single submitter. Criteria: ACMG Guidelines, 2015. Collection method: clinical testing. Allele origin: unknown.

Juno Genomics, Hangzhou Juno Genomics, Inc
Classification: Pathogenic for Breast-ovarian cancer, familial, susceptibility to, 3. Review status: criteria provided, single submitter. Criteria: ACMG Guidelines, 2015. Collection method: clinical testing. Allele origin: germline.
Comment: Absent from controls (or at extremely low frequency if recessive) in Genome Aggregation Database.;Null variant in a gene where loss of function (LOF) is a known mechanism of disease.;The prevalence of the variant in affected individuals is significantly increased compared to the prevalence in controls.

Literature cited by the submitters: PubMed 21597919 (cited by 6 submitters); PubMed 29278735 (cited by 6 submitters); PubMed 30093976 (cited by 6 submitters); PubMed 33333735 (cited by 6 submitters); PubMed 39299233 (cited by Ambry Genetics and Myriad Genetics, Inc.); PubMed 17576681 (cited by Labcorp Genetics (formerly Invitae), Labcorp); PubMed 9536098 (cited by Labcorp Genetics (formerly Invitae), Labcorp); PubMed 34326862 (cited by Quest Diagnostics Nichols Institute San Juan Capistrano); PubMed 33649982 (cited by Quest Diagnostics Nichols Institute San Juan Capistrano); PubMed 38509102 (cited by Quest Diagnostics Nichols Institute San Juan Capistrano); PubMed 35740625 (cited by Myriad Genetics, Inc.); PubMed 35186721 (cited by Women's Health and Genetics/Laboratory Corporation of America, LabCorp); PubMed 36909564 (cited by Color Diagnostics, LLC DBA Color Health).